The following is an entry in ClinVar:

NM_020686.6(ABAT):c.1075A>G (p.Met359Val)

Gene: ABAT (4-aminobutyrate aminotransferase; plus strand). Cytogenetic location: 16p13.2.
Variant type: single nucleotide variant.
Coding change: c.1075A>G on transcript NM_020686.6 (MANE Select); coding-DNA position 1075, A replaced by G.
Protein change: p.Met359Val; replaces methionine 359 with valine.
Molecular consequence: missense variant.
Genome position (GRCh38, 1-based): chr16:8,775,010, A>G. VCF-style: chr16-8775010-A-G. GRCh37 (hg19) VCF-style: chr16-8868867-A-G.
Other names: c.1075A>G, p.Met359Val (NM_000663.5, NM_001127448.2, NM_001386600.1 and 6 more transcripts); c.1036A>G, p.Met346Val (NM_001386605.1); c.1012A>G, p.Met338Val (NM_001386606.1, NM_001386607.1); c.982A>G, p.Met328Val (NM_001386608.1); c.940A>G, p.Met314Val (NM_001386610.1, NM_001386611.1); c.877A>G, p.Met293Val (NM_001386612.1, NM_001386613.1); c.829A>G, p.Met277Val (NM_001386614.1); c.1171A>G, p.Met391Val (NM_001386615.1); short protein forms M293V, M314V, M328V, M338V, M277V, M346V, M359V, M391V.
Identifiers: ClinVar variation 1036275 (VCV001036275.9), dbSNP rs2060225110, ClinGen allele CA394690005.
Genomic context (GRCh38, chr16:8,775,010, plus strand): 5'-TGGGCCCATGAGCACTGGGGCCTGGATGACCCAGCAGACGTGATGACCTTCAGCAAGAAG[A>G]TGATGACTGGGGGCTTCTTCCACAAGGAGGAGTTCAGGCCTAATGCTGTGAGTTGGAGCC-3'
Protein context (NP_065737.2, residues 349-369): PADVMTFSKK[Met359Val]MTGGFFHKEE

ClinVar aggregate classification (germline): Uncertain significance (1 of 4 stars; one submission).

Conditions:
Gamma-aminobutyric acid transaminase deficiency (GABATD). Also called: GABA transaminase deficiency; Gamma aminobutyrate transaminase deficiency; 4 alpha aminobutyrate transaminase deficiency; GABA aminotransaminase deficiency. Identifiers: Orphanet 2066, MedGen C0342708, MONDO:0013166, OMIM 613163.

gnomAD v4.1: 2 of 1,614,234 alleles (0.00012%); highest among the groups gnomAD compares: Non-Finnish European, 0.00017%; no homozygotes.

Submission:

Labcorp Genetics (formerly Invitae), Labcorp
Classification: Uncertain significance for Gamma-aminobutyric acid transaminase deficiency. Last evaluated: 2020-07-21. Review status: criteria provided, single submitter. Criteria: Invitae Variant Classification Sherloc (09022015). Collection method: clinical testing. Allele origin: germline.
Comment: Algorithms developed to predict the effect of missense changes on protein structure and function are either unavailable or do not agree on the potential impact of this missense change (SIFT: "Tolerated"; PolyPhen-2: "Possibly Damaging"; Align-GVGD: "Class C0"). Algorithms developed to predict the effect of sequence changes on RNA splicing suggest that this variant may create or strengthen a splice site, but this prediction has not been confirmed by published transcriptional studies. In summary, the available evidence is currently insufficient to determine the role of this variant in disease. Therefore, it has been classified as a Variant of Uncertain Significance. This variant has not been reported in the literature in individuals with ABAT-related conditions. This sequence change replaces methionine with valine at codon 359 of the ABAT protein (p.Met359Val). The methionine residue is moderately conserved and there is a small physicochemical difference between methionine and valine. This variant is not present in population databases (ExAC no frequency).